The following is an entry in ClinVar:

ClinVar aggregate classification (germline): Uncertain significance (1 of 4 stars; one submission).

gnomAD v4.1: 1 of 1,614,168 alleles (0.000062%); highest among the groups gnomAD compares: South Asian, 0.0011%; no homozygotes.

Submission:

Dasa
Classification: Uncertain significance. Last evaluated: 2025-07-05. Review status: criteria provided, single submitter. Criteria: DASA Assertion Criteria. Collection method: clinical testing. Allele origin: germline.
Comment: NM_001020658.2(PUM1):c.1943A>G (p.Asn648Ser) is a missense variant that results in the substitution of asparagine with serine. This variant is rare in population databases. Computational prediction algorithms are consistent with a benign effect. The currently available literature and clinical evidence are not sufficient to establish a definitive association between this variant and the reported condition. Therefore, this variant is classified as a variant of uncertain significance.

NM_001020658.2(PUM1):c.1943A>G (p.Asn648Ser)

Gene: PUM1 (pumilio RNA binding family member 1; minus strand). Cytogenetic location: 1p35.2.
Variant type: single nucleotide variant.
Coding change: c.1943A>G on transcript NM_001020658.2 (MANE Select); coding-DNA position 1943, A replaced by G.
Protein change: p.Asn648Ser; replaces asparagine 648 with serine.
Molecular consequence: missense variant.
Genome position (GRCh38, 1-based): chr1:30,966,125, T>C on the plus strand (A>G on the coding strand, the complement: PUM1 is on the minus strand). VCF-style: chr1-30966125-T-C. GRCh37 (hg19) VCF-style: chr1-31438972-T-C.
Other names: c.1943A>G, p.Asn648Ser (NM_014676.3); short protein forms N648S.
Identifiers: ClinVar variation 4881792 (VCV004881792.2).